The following is an entry in ClinVar:

ClinVar aggregate classification (germline): Uncertain significance. Review status: criteria provided, single submitter (1 of 4 stars). 3 submissions from 3 submitters: Uncertain significance (1). 2 of the submissions do not count toward it. Last evaluated 2021-04-06.

Conditions:
Cardiomyopathy (CMYO). Also called: Cardiomyopathies. Identifiers: Orphanet 167848, MedGen C0878544, MONDO:0004994, HP:0001638. Inheritance: Various modes of inheritance.

Submissions (3):

Color Diagnostics, LLC DBA Color Health
Classification: Uncertain significance for Cardiomyopathy. Last evaluated: 2021-04-06. Review status: criteria provided, single submitter. Criteria: ACMG Guidelines, 2015. Collection method: clinical testing. Allele origin: germline.
Comment: This variant causes a G to C nucleotide substitution at the -15 position of intron 7 of the DSG2 gene. Splice prediction tools and conservation analysis are inconclusive regarding the impact of this variant on RNA splicing. To our knowledge, functional studies have not been reported for this variant. This variant has not been reported in individuals affected with cardiovascular disorders in the literature. This variant has not been identified in the general population by the Genome Aggregation Database (gnomAD). The available evidence is insufficient to determine the role of this variant in disease conclusively. Therefore, this variant is classified as a Variant of Uncertain Significance.

Clinical Genetics DNA and cytogenetics Diagnostics Lab, Erasmus MC, Erasmus Medical Center
Classification: Likely benign. Review status: no assertion criteria provided. Collection method: clinical testing. Allele origin: germline. Affected: yes. Study: VKGL Data-share Consensus. Not counted in ClinVar's aggregate classification.

Genome Diagnostics Laboratory, University Medical Center Utrecht
Classification: Likely benign. Review status: no assertion criteria provided. Collection method: clinical testing. Allele origin: germline. Affected: yes. Study: VKGL Data-share Consensus. Not counted in ClinVar's aggregate classification.

NM_001943.5(DSG2):c.829-15G>C

Gene: DSG2 (desmoglein 2; plus strand). Cytogenetic location: 18q12.1.
Variant type: single nucleotide variant.
Coding change: c.829-15G>C on transcript NM_001943.5 (MANE Select); 15 bases into the intron before coding-DNA position 829, G replaced by C.
Molecular consequence: intron variant.
Genome position (GRCh38, 1-based): chr18:31,524,688, G>C. VCF-style: chr18-31524688-G-C. GRCh37 (hg19) VCF-style: chr18-29104651-G-C.
Identifiers: ClinVar variation 1285090 (VCV001285090.4), dbSNP rs2144322515, ClinGen allele CA2499225123.